The following is an entry in ClinVar:

ClinVar aggregate classification (germline): Conflicting classifications of pathogenicity. Review status: criteria provided, conflicting classifications (1 of 4 stars). 3 submissions from 3 submitters: Uncertain significance (2); Likely benign (1). Last evaluated 2026-07-01.

Conditions:
Wilson disease (WND). Also called: Wilson's disease. Identifiers: Orphanet 905, MedGen C0019202, MONDO:0010200, OMIM 277900. Disease mechanism: loss of function.

gnomAD v4.1: 21 of 1,614,054 alleles (0.0013%); highest among the groups gnomAD compares: East Asian, 0.0022%; no homozygotes.

Submissions (3):

CeGaT Center for Human Genetics Tuebingen
Classification: Uncertain significance. Last evaluated: 2026-07-01. Review status: criteria provided, single submitter. Criteria: CeGaT Center For Human Genetics Tuebingen Variant Classification Criteria Version 2. Collection method: clinical testing. Allele origin: germline. Affected: yes. Observed: 1 variant allele.
Comment: ATP7B: PM2

Color Diagnostics, LLC DBA Color Health
Classification: Likely benign for Wilson disease. Last evaluated: 2025-08-19. Review status: criteria provided, single submitter. Criteria: ACMG Guidelines, 2015. Collection method: clinical testing. Allele origin: germline.

Fulgent Genetics
Classification: Uncertain significance for Wilson disease. Last evaluated: 2024-04-19. Review status: criteria provided, single submitter. Criteria: ACMG Guidelines, 2015. Collection method: clinical testing. Allele origin: germline.

NM_000053.4(ATP7B):c.79C>T (p.Arg27Cys)

Gene: ATP7B (ATPase copper transporting beta; minus strand). Cytogenetic location: 13q14.3.
Variant type: single nucleotide variant.
Coding change: c.79C>T on transcript NM_000053.4 (MANE Select); coding-DNA position 79, C replaced by T.
Protein change: p.Arg27Cys; replaces arginine 27 with cysteine.
Molecular consequence: missense variant. On other transcripts: 5 prime UTR variant (7).
Genome position (GRCh38, 1-based): chr13:51,975,141, G>A on the plus strand (C>T on the coding strand, the complement: ATP7B is on the minus strand). VCF-style: chr13-51975141-G-A. GRCh37 (hg19) VCF-style: chr13-52549277-G-A.
Other names: c.79C>T, p.Arg27Cys (NM_001005918.3, NM_001243182.2, NM_001330578.2 and 30 more transcripts); c.-18C>T (NM_001406530.1, NM_001406536.1, NM_001406539.1 and 4 more transcripts); short protein forms R27C.
Identifiers: ClinVar variation 3576334 (VCV003576334.4).